The following is an entry in ClinVar:

ClinVar aggregate classification (germline): Uncertain significance (1 of 4 stars; one submission).

Conditions:
RYR1-related disorder. Also called: RYR1-related condition; RYR1-related disorders. Identifiers: MedGen CN239331.

gnomAD v4.1: 2 of 1,613,688 alleles (0.00012%); highest among the groups gnomAD compares: Non-Finnish European, 0.00017%; no homozygotes.

Submission:

Labcorp Genetics (formerly Invitae), Labcorp
Classification: Uncertain significance for RYR1-related disorder. Last evaluated: 2024-04-08. Review status: criteria provided, single submitter. Criteria: Invitae Variant Classification Sherloc (09022015). Collection method: clinical testing. Allele origin: germline.
Comment: This sequence change replaces lysine, which is basic and polar, with asparagine, which is neutral and polar, at codon 3694 of the RYR1 protein (p.Lys3694Asn). This variant is not present in population databases (gnomAD no frequency). This variant has not been reported in the literature in individuals affected with RYR1-related conditions. Advanced modeling of protein sequence and biophysical properties (such as structural, functional, and spatial information, amino acid conservation, physicochemical variation, residue mobility, and thermodynamic stability) has been performed at Invitae for this missense variant, however the output from this modeling did not meet the statistical confidence thresholds required to predict the impact of this variant on RYR1 protein function. In summary, the available evidence is currently insufficient to determine the role of this variant in disease. Therefore, it has been classified as a Variant of Uncertain Significance.

NM_000540.3(RYR1):c.11082G>T (p.Lys3694Asn)

Gene: RYR1 (ryanodine receptor 1; plus strand). Cytogenetic location: 19q13.2.
Variant type: single nucleotide variant.
Coding change: c.11082G>T on transcript NM_000540.3 (MANE Select); coding-DNA position 11082, G replaced by T.
Protein change: p.Lys3694Asn; replaces lysine 3694 with asparagine.
Molecular consequence: missense variant.
Genome position (GRCh38, 1-based): chr19:38,528,998, G>T. VCF-style: chr19-38528998-G-T. GRCh37 (hg19) VCF-style: chr19-39019638-G-T.
Other names: c.11067G>T, p.Lys3689Asn (NM_001042723.2); short protein forms K3694N, K3689N.
Identifiers: ClinVar variation 3727577 (VCV003727577.2).